The following is an entry in ClinVar:

NM_001122955.4(BSCL2):c.903A>T (p.Ile301=)

Genes: BSCL2 (BSCL2 lipid droplet biogenesis associated, seipin; minus strand), HNRNPUL2-BSCL2 (HNRNPUL2-BSCL2 readthrough (NMD candidate); minus strand). Cytogenetic location: 11q12.3.
Variant type: single nucleotide variant.
Coding change: c.903A>T on transcript NM_001122955.4 (MANE Select); coding-DNA position 903, A replaced by T.
Protein change: p.Ile301=; no amino-acid change (isoleucine 301 retained).
Molecular consequence: synonymous variant. On other transcripts: non-coding transcript variant (1), intron variant (1).
Genome position (GRCh38, 1-based): chr11:62,691,382, T>A on the plus strand (A>T on the coding strand, the complement: BSCL2 is on the minus strand). VCF-style: chr11-62691382-T-A. GRCh37 (hg19) VCF-style: chr11-62458854-T-A.
Other names: c.903A>T, p.Ile301= (NM_001386027.1, NM_001386028.1); c.711A>T, p.Ile237= (NM_032667.6); c.672-241A>T (NM_001130702.2).
Identifiers: ClinVar variation 4980475 (VCV004980475.1).

ClinVar aggregate classification (germline): Likely benign (1 of 4 stars; one submission).

Conditions:
BSCL2-related disorder. Also called: BSCL2-related condition; BSCL2-Related Disorders.

Submission:

PreventionGenetics, part of Exact Sciences
Classification: Likely benign for BSCL2-related condition. Last evaluated: 2026-07-09. Review status: criteria provided, single submitter. Criteria: ACMG Guidelines, 2015. Collection method: clinical testing. Allele origin: germline.
Comment: This variant is classified as likely benign based on ACMG/AMP sequence variant interpretation guidelines (Richards et al. 2015 PMID: 25741868, with internal and published modifications).